The following is an entry in ClinVar:

ClinVar aggregate classification (germline): Likely pathogenic (1 of 4 stars; one submission).

Allele frequency attached by ClinVar (database versions not stated): gnomAD exomes below 0.00001; TOPMed below 0.00001; ExAC 0.00001.
gnomAD v4.1: 2 of 1,567,700 alleles (0.00013%); highest among the groups gnomAD compares: Non-Finnish European, 0.00018%; no homozygotes.

Submission:

Labcorp Genetics (formerly Invitae), Labcorp
Classification: Likely pathogenic. Last evaluated: 2022-12-08. Review status: criteria provided, single submitter. Criteria: Invitae Variant Classification Sherloc (09022015). Collection method: clinical testing. Allele origin: germline.
Comment: In summary, the currently available evidence indicates that the variant is pathogenic, but additional data are needed to prove that conclusively. Therefore, this variant has been classified as Likely Pathogenic. Algorithms developed to predict the effect of sequence changes on RNA splicing suggest that this variant may disrupt the consensus splice site. This variant has not been reported in the literature in individuals affected with TG-related conditions. This variant is not present in population databases (gnomAD no frequency). This sequence change affects a donor splice site in intron 32 of the TG gene. It is expected to disrupt RNA splicing. Variants that disrupt the donor or acceptor splice site typically lead to a loss of protein function (PMID: 16199547), and loss-of-function variants in TG are known to be pathogenic (PMID: 19837936, 23164529).

Literature cited by the submitters: PubMed 16199547; PubMed 19837936; PubMed 23164529.

NM_003235.5(TG):c.5975+1G>A

Gene: TG (thyroglobulin; plus strand). Cytogenetic location: 8q24.22.
Variant type: single nucleotide variant.
Coding change: c.5975+1G>A on transcript NM_003235.5 (MANE Select); the canonical splice donor site of the intron after coding-DNA position 5975, G replaced by A.
Molecular consequence: splice donor variant.
Genome position (GRCh38, 1-based): chr8:132,969,570, G>A. VCF-style: chr8-132969570-G-A. GRCh37 (hg19) VCF-style: chr8-133981815-G-A.
Identifiers: ClinVar variation 2980319 (VCV002980319.3), dbSNP rs757080996, ClinGen allele CA4884690.